The following is an entry in ClinVar:

ClinVar aggregate classification (germline): Uncertain significance (1 of 4 stars; one submission).

gnomAD v4.1: 1 of 1,614,102 alleles (0.000062%); highest among the groups gnomAD compares: South Asian, 0.0011%; no homozygotes.

Submission:

GeneDx
Classification: Uncertain significance. Last evaluated: 2024-11-18. Review status: criteria provided, single submitter. Criteria: GeneDx Variant Classification Process June 2021. Collection method: clinical testing. Allele origin: germline. Affected: yes.
Comment: Not observed at significant frequency in large population cohorts (gnomAD); In silico analysis indicates that this missense variant does not alter protein structure/function; Has not been previously published as pathogenic or benign to our knowledge

NM_000875.5(IGF1R):c.2150A>C (p.Glu717Ala)

Gene: IGF1R (insulin like growth factor 1 receptor; plus strand). Cytogenetic location: 15q26.3.
Variant type: single nucleotide variant.
Coding change: c.2150A>C on transcript NM_000875.5 (MANE Select); coding-DNA position 2150, A replaced by C.
Protein change: p.Glu717Ala; replaces glutamic acid 717 with alanine.
Molecular consequence: missense variant.
Genome position (GRCh38, 1-based): chr15:98,916,825, A>C. VCF-style: chr15-98916825-A-C. GRCh37 (hg19) VCF-style: chr15-99460054-A-C.
Other names: c.2150A>C, p.Glu717Ala (NM_001291858.2); short protein forms E717A.
Identifiers: ClinVar variation 3899445 (VCV003899445.1).